The following is an entry in ClinVar:

ClinVar aggregate classification (germline): Uncertain significance (1 of 4 stars; one submission).

Submission:

Labcorp Genetics (formerly Invitae), Labcorp
Classification: Uncertain significance. Last evaluated: 2024-01-11. Review status: criteria provided, single submitter. Criteria: Invitae Variant Classification Sherloc (09022015). Collection method: clinical testing. Allele origin: germline.
Comment: This sequence change replaces threonine, which is neutral and polar, with arginine, which is basic and polar, at codon 158 of the MYO6 protein (p.Thr158Arg). This variant is not present in population databases (gnomAD no frequency). This missense change has been observed in individual(s) with autosomal dominant MYO6-related conditions (PMID: 29607572). Advanced modeling of protein sequence and biophysical properties (such as structural, functional, and spatial information, amino acid conservation, physicochemical variation, residue mobility, and thermodynamic stability) performed at Invitae indicates that this missense variant is expected to disrupt MYO6 protein function with a positive predictive value of 80%. In summary, the available evidence is currently insufficient to determine the role of this variant in disease. Therefore, it has been classified as a Variant of Uncertain Significance.

Literature cited by the submitters: PubMed 29607572.

NM_004999.4(MYO6):c.473C>G (p.Thr158Arg)

Gene: MYO6 (myosin VI; plus strand). Cytogenetic location: 6q14.1.
Variant type: single nucleotide variant.
Coding change: c.473C>G on transcript NM_004999.4 (MANE Select); coding-DNA position 473, C replaced by G.
Protein change: p.Thr158Arg; replaces threonine 158 with arginine.
Molecular consequence: missense variant. On other transcripts: non-coding transcript variant (2).
Genome position (GRCh38, 1-based): chr6:75,832,923, C>G. VCF-style: chr6-75832923-C-G. GRCh37 (hg19) VCF-style: chr6-76542640-C-G.
Other names: c.473C>G, p.Thr158Arg (NM_001300899.2, NM_001368136.1, NM_001368137.1 and 5 more transcripts); short protein forms T158R.
Identifiers: ClinVar variation 2971496 (VCV002971496.3), dbSNP rs2534997126, ClinGen allele CA364768316.
Genomic context (GRCh38, chr6:75,832,923, plus strand): 5'-TGAAGGTGCTCAAGATGAGTCAGTCTATCATTGTATCTGGAGAATCAGGAGCCGGCAAAA[C>G]AGAAAATACAAAATTTGTTCTAAGGTGAGTATTCAGCTAACTTGAAGTATTTGAGTAGGT-3'
Protein context (NP_004990.3, residues 148-168): IVSGESGAGK[Thr158Arg]ENTKFVLRYL